The following is an entry in ClinVar:

NM_004371.4(COPA):c.2086C>T (p.Arg696Cys)

Gene: COPA (coat protein complex I subunit alpha; minus strand). Cytogenetic location: 1q23.2.
Variant type: single nucleotide variant.
Coding change: c.2086C>T on transcript NM_004371.4 (MANE Select); coding-DNA position 2086, C replaced by T.
Protein change: p.Arg696Cys; replaces arginine 696 with cysteine.
Molecular consequence: missense variant.
Genome position (GRCh38, 1-based): chr1:160,297,637, G>A on the plus strand (C>T on the coding strand, the complement: COPA is on the minus strand). VCF-style: chr1-160297637-G-A. GRCh37 (hg19) VCF-style: chr1-160267427-G-A.
Other names: c.2113C>T, p.Arg705Cys (NM_001098398.2); short protein forms R705C, R696C.
Identifiers: ClinVar variation 969936 (VCV000969936.8), dbSNP rs1658458280, ClinGen allele CA343279256.

ClinVar aggregate classification (germline): Uncertain significance (1 of 4 stars; one submission).

Conditions:
Autoimmune interstitial lung disease-arthritis syndrome. Also called: Autoinflammation and autoimmunity, systemic, with immune dysregulation. Identifiers: Orphanet 444092, MedGen C5975714, MONDO:0014629.

Allele frequency attached by ClinVar (database versions not stated): TOPMed below 0.00001; gnomAD 0.00001; gnomAD exomes 0.00001.
gnomAD v4.1: 14 of 1,613,996 alleles (0.00087%); highest among the groups gnomAD compares: Non-Finnish European, 0.0012%; no homozygotes.

Submission:

Labcorp Genetics (formerly Invitae), Labcorp
Classification: Uncertain significance for Autoimmune interstitial lung disease-arthritis syndrome. Last evaluated: 2023-12-13. Review status: criteria provided, single submitter. Criteria: Invitae Variant Classification Sherloc (09022015). Collection method: clinical testing. Allele origin: germline.
Comment: This sequence change replaces arginine, which is basic and polar, with cysteine, which is neutral and slightly polar, at codon 696 of the COPA protein (p.Arg696Cys). This variant is not present in population databases (gnomAD no frequency). This variant has not been reported in the literature in individuals affected with COPA-related conditions. ClinVar contains an entry for this variant (Variation ID: 969936). Advanced modeling of protein sequence and biophysical properties (such as structural, functional, and spatial information, amino acid conservation, physicochemical variation, residue mobility, and thermodynamic stability) performed at Invitae indicates that this missense variant is expected to disrupt COPA protein function with a positive predictive value of 80%. In summary, the available evidence is currently insufficient to determine the role of this variant in disease. Therefore, it has been classified as a Variant of Uncertain Significance.